The following is an entry in ClinVar:

NM_138694.4(PKHD1):c.715_716delinsC (p.Val239fs)

Gene: PKHD1 (PKHD1 ciliary IPT domain containing fibrocystin/polyductin; minus strand). Cytogenetic location: 6p12.2.
Variant type: Indel.
Coding change: c.715_716delinsC on transcript NM_138694.4 (MANE Select); coding-DNA positions 715 to 716, GT replaced by C.
Protein change: p.Val239fs; shifts the reading frame from valine 239.
Molecular consequence: frameshift variant.
Genome position (GRCh38, 1-based): chr6:52,069,519-52,069,520, AC replaced by G on the plus strand (GT replaced by C on the coding strand, the reverse complement: PKHD1 is on the minus strand). VCF-style: chr6-52069519-AC-G. GRCh37 (hg19) VCF-style: chr6-51934317-AC-G.
Other names: c.715_716delinsC, p.Val239fs (NM_170724.3); short protein forms V239fs.
Identifiers: ClinVar variation 4816737 (VCV004816737.1).

ClinVar aggregate classification (germline): Likely pathogenic (1 of 4 stars; one submission).

Conditions:
Autosomal recessive polycystic kidney disease (ARPKD). Also called: AR polycystic kidney disease. Identifiers: Orphanet 731, Orphanet 8378, MedGen C0085548, MeSH D017044, MONDO:0009889.

Submission:

Natera, Inc.
Classification: Likely pathogenic for Autosomal recessive polycystic kidney disease. Last evaluated: 2024-03-30. Review status: criteria provided, single submitter. Criteria: Natera Variant Classification Schema (03/2026). Collection method: clinical testing. Allele origin: germline.
Comment: The c.715_716delGTinsC variant in PKHD1 is a frameshift variant predicted to shift the reading frame beginning at codon 239 and leads to a stop codon 7 codons downstream. This variant is expected to result in nonsense mediated decay, truncation, or a dysfunctional protein product. This variant is rare in the general population with a frequency below the threshold expected for the associated phenotype(s). Given the available evidence, this variant is classified as Likely Pathogenic.